The following is an entry in ClinVar:

ClinVar aggregate classification (germline): Likely pathogenic (1 of 4 stars; one submission).

Conditions:
Hereditary cancer-predisposing syndrome. Also called: Tumor predisposition; Hereditary Cancer Syndrome; Neoplastic Syndromes, Hereditary; Hereditary neoplastic syndrome. Identifiers: Orphanet 140162, MedGen C0027672, MeSH D009386, MONDO:0015356.

Submission:

Ambry Genetics
Classification: Likely pathogenic for Hereditary cancer-predisposing syndrome. Last evaluated: 2025-11-17. Review status: criteria provided, single submitter. Criteria: Ambry Variant Classification Scheme 2023. Collection method: clinical testing. Allele origin: germline.
Comment: The p.L95R variant (also known as c.284T>G), located in coding exon 3 of the CDC73 gene, results from a T to G substitution at nucleotide position 284. The leucine at codon 95 is replaced by arginine, an amino acid with dissimilar properties. Other variant(s) at the same codon, p.L95P c.284T>C, have been identified in individual(s) with features consistent with CDC73-related disorders (Panicker LM et al. Endocr Relat Cancer, 2010 Jun;17:513-24; Ambry internal data). This missense alteration is located in a region that has a low rate of benign missense variation (Lek M et al. Nature. 2016 Aug 18;536(7616):285-91; DECIPHER: Database of Chromosomal Imbalance and Phenotype in Humans using Ensembl Resources. Firth H.V. et al. 2009. Am.J.Hum.Genet. 84, 524-533 (DOI)). This amino acid position is highly conserved in available vertebrate species. In addition, this alteration is predicted to be deleterious by in silico analysis. This variant is considered to be rare based on population cohorts in the Genome Aggregation Database (gnomAD). Based on the majority of available evidence to date, this variant is likely to be pathogenic.

Literature cited by the submitters: PubMed 20304979.

NM_024529.5(CDC73):c.284T>G (p.Leu95Arg)

Gene: CDC73 (cell division cycle 73; plus strand). Cytogenetic location: 1q31.2.
Variant type: single nucleotide variant.
Coding change: c.284T>G on transcript NM_024529.5 (MANE Select); coding-DNA position 284, T replaced by G.
Protein change: p.Leu95Arg; replaces leucine 95 with arginine.
Molecular consequence: missense variant.
Genome position (GRCh38, 1-based): chr1:193,130,220, T>G. VCF-style: chr1-193130220-T-G. GRCh37 (hg19) VCF-style: chr1-193099350-T-G.
Other names: short protein forms L95R.
Identifiers: ClinVar variation 1796822 (VCV001796822.3), dbSNP rs2103117916, ClinGen allele CA343973372.